The following is an entry in ClinVar:

ClinVar aggregate classification (germline): Uncertain significance. Review status: criteria provided, multiple submitters, no conflicts (2 of 4 stars). 2 submissions from 2 submitters: Uncertain significance (2). Last evaluated 2024-09-27.

Conditions:
Charcot-Marie-Tooth disease type 4. Also called: Charcot-Marie-Tooth disease, type IV; Charcot-Marie-Tooth, Type 4. Identifiers: Orphanet 64749, MedGen C4082197, MONDO:0018995.

Allele frequency attached by ClinVar (database versions not stated): gnomAD 0.00003 and 0.00004; gnomAD exomes 0.00003 and below 0.00001; TOPMed 0.00002; ExAC 0.00001.
gnomAD v4.1: 42 of 1,612,814 alleles (0.0026%); highest among the groups gnomAD compares: Non-Finnish European, 0.0032%; no homozygotes.

Submissions (2):

Mayo Clinic Laboratories, Mayo Clinic
Classification: Uncertain significance. Last evaluated: 2024-09-27. Review status: criteria provided, single submitter. Criteria: ACMG Guidelines, 2015. Collection method: clinical testing. Allele origin: germline. Observed: 2 variant alleles.

Labcorp Genetics (formerly Invitae), Labcorp
Classification: Uncertain significance for Charcot-Marie-Tooth disease type 4. Last evaluated: 2022-05-23. Review status: criteria provided, single submitter. Criteria: Invitae Variant Classification Sherloc (09022015). Collection method: clinical testing. Allele origin: germline.
Comment: This sequence change replaces proline, which is neutral and non-polar, with leucine, which is neutral and non-polar, at codon 407 of the FIG4 protein (p.Pro407Leu). This variant is present in population databases (rs769415369, gnomAD 0.004%). This variant has not been reported in the literature in individuals affected with FIG4-related conditions. ClinVar contains an entry for this variant (Variation ID: 845694). Algorithms developed to predict the effect of missense changes on protein structure and function (SIFT, PolyPhen-2, Align-GVGD) all suggest that this variant is likely to be tolerated. In summary, the available evidence is currently insufficient to determine the role of this variant in disease. Therefore, it has been classified as a Variant of Uncertain Significance.

NM_014845.6(FIG4):c.1220C>T (p.Pro407Leu)

Gene: FIG4 (FIG4 phosphoinositide 5-phosphatase; plus strand). Cytogenetic location: 6q21.
Variant type: single nucleotide variant.
Coding change: c.1220C>T on transcript NM_014845.6 (MANE Select); coding-DNA position 1220, C replaced by T.
Protein change: p.Pro407Leu; replaces proline 407 with leucine.
Molecular consequence: missense variant.
Genome position (GRCh38, 1-based): chr6:109,760,332, C>T. VCF-style: chr6-109760332-C-T. GRCh37 (hg19) VCF-style: chr6-110081535-C-T.
Other names: p.Pro407Leu; short protein forms P407L.
Identifiers: ClinVar variation 845694 (VCV000845694.9), dbSNP rs769415369, ClinGen allele CA3956015.